The following is an entry in ClinVar:

ClinVar aggregate classification (germline): Uncertain significance (1 of 4 stars; one submission).

Conditions:
Autosomal recessive severe congenital neutropenia due to JAGN1 deficiency. Also called: Severe congenital neutropenia 6, autosomal recessive. Identifiers: Orphanet 423384, MedGen C4014954, MONDO:0014456, OMIM 616022.

Allele frequency attached by ClinVar (database versions not stated): ExAC 0.00001; gnomAD 0.00001; gnomAD exomes 0.00001; TOPMed 0.00001.
gnomAD v4.1: 13 of 1,613,274 alleles (0.00081%); highest among the groups gnomAD compares: South Asian, 0.013%; no homozygotes.

Submission:

Labcorp Genetics (formerly Invitae), Labcorp
Classification: Uncertain significance for Autosomal recessive severe congenital neutropenia due to JAGN1 deficiency. Last evaluated: 2025-12-16. Review status: criteria provided, single submitter. Criteria: Invitae Variant Classification Sherloc (09022015). Collection method: clinical testing. Allele origin: germline.
Comment: This sequence change replaces tyrosine, which is neutral and polar, with histidine, which is basic and polar, at codon 42 of the JAGN1 protein (p.Tyr42His). This variant is present in population databases (rs753747801, gnomAD 0.01%). This variant has not been reported in the literature in individuals affected with JAGN1-related conditions. ClinVar contains an entry for this variant (Variation ID: 1512903). An algorithm developed to predict the effect of missense changes on protein structure and function (PolyPhen-2) suggests that this variant is likely to be disruptive. In summary, the available evidence is currently insufficient to determine the role of this variant in disease. Therefore, it has been classified as a Variant of Uncertain Significance.

NM_032492.4(JAGN1):c.124T>C (p.Tyr42His)

Gene: JAGN1 (jagunal vesicle mediated transporter 1; plus strand). Cytogenetic location: 3p25.3.
Variant type: single nucleotide variant.
Coding change: c.124T>C on transcript NM_032492.4 (MANE Select); coding-DNA position 124, T replaced by C.
Protein change: p.Tyr42His; replaces tyrosine 42 with histidine.
Molecular consequence: missense variant. On other transcripts: 5 prime UTR variant (1).
Genome position (GRCh38, 1-based): chr3:9,892,949, T>C. VCF-style: chr3-9892949-T-C. GRCh37 (hg19) VCF-style: chr3-9934633-T-C.
Other names: c.-39T>C (NM_001363890.1); short protein forms Y42H.
Identifiers: ClinVar variation 1512903 (VCV001512903.6), dbSNP rs753747801, ClinGen allele CA2245830.
Genomic context (GRCh38, chr3:9,892,949, plus strand): 5'-ACTTCTCCCTCTGCTCTGCCCCACAGTGTGACTCTCAAGTATGAAATCAAGAAGCTGATC[T>C]ACGTACATCTGGTCATATGGCTGCTGCTGGTTGCTAAGATGAGCGTGGGACACCTGAGGC-3'
Protein context (NP_115881.3, residues 32-52): TLKYEIKKLI[Tyr42His]VHLVIWLLLV